The following is an entry in ClinVar:

ClinVar aggregate classification (germline): Pathogenic (1 of 4 stars; one submission).

Conditions:
Cerebral cavernous malformation (CCM). Also called: CAVERNOUS ANGIOMA, FAMILIAL; CAVERNOUS ANGIOMATOUS MALFORMATIONS; CEREBRAL CAPILLARY MALFORMATIONS; Cavernous Hemangioma of Brain; Cerebral cavernous malformations; Cerebral cavernous hemangioma (type). Identifiers: Orphanet 221061, MedGen C2919945, MONDO:0000820, OMIM 116860, HP:0033522.

Allele frequency attached by ClinVar (database versions not stated): gnomAD exomes below 0.00001.
gnomAD v4.1: 1 of 1,609,132 alleles (0.000062%); highest among the groups gnomAD compares: Non-Finnish European, 0.000085%; no homozygotes.

Submission:

Labcorp Genetics (formerly Invitae), Labcorp
Classification: Pathogenic for Cerebral cavernous malformation. Last evaluated: 2022-08-22. Review status: criteria provided, single submitter. Criteria: Invitae Variant Classification Sherloc (09022015). Collection method: clinical testing. Allele origin: germline.
Comment: For these reasons, this variant has been classified as Pathogenic. This variant has not been reported in the literature in individuals affected with KRIT1-related conditions. This variant is not present in population databases (gnomAD no frequency). This sequence change creates a premature translational stop signal (p.Trp597*) in the KRIT1 gene. It is expected to result in an absent or disrupted protein product. Loss-of-function variants in KRIT1 are known to be pathogenic (PMID: 10508515, 11222804, 12404106, 24689081).

Literature cited by the submitters: PubMed 10508515; PubMed 11222804; PubMed 12404106; PubMed 24689081.

NM_194454.3(KRIT1):c.1790G>A (p.Trp597Ter)

Gene: KRIT1 (KRIT1 ankyrin repeat containing; minus strand). Cytogenetic location: 7q21.2.
Variant type: single nucleotide variant.
Coding change: c.1790G>A on transcript NM_194454.3 (MANE Select); coding-DNA position 1790, G replaced by A.
Protein change: p.Trp597Ter; replaces tryptophan 597 with a stop codon.
Molecular consequence: nonsense.
Genome position (GRCh38, 1-based): chr7:92,213,920, C>T on the plus strand (G>A on the coding strand, the complement: KRIT1 is on the minus strand). VCF-style: chr7-92213920-C-T. GRCh37 (hg19) VCF-style: chr7-91843234-C-T.
Other names: c.1646G>A, p.Trp549Ter (NM_001013406.2, NM_001350669.1, NM_001350670.1); c.1076G>A, p.Trp359Ter (NM_001350671.1); c.1790G>A, p.Trp597Ter (NM_001350672.1, NM_001350673.1, NM_001350674.1 and 26 more transcripts); short protein forms W359*, W549*, W597*.
Identifiers: ClinVar variation 2026357 (VCV002026357.4), dbSNP rs2535715547, ClinGen allele CA368141089.